The following is an entry in ClinVar:

ClinVar aggregate classification (germline): Uncertain significance (1 of 4 stars; one submission).

Submission:

Labcorp Genetics (formerly Invitae), Labcorp
Classification: Uncertain significance. Last evaluated: 2024-08-02. Review status: criteria provided, single submitter. Criteria: Invitae Variant Classification Sherloc (09022015). Collection method: clinical testing. Allele origin: germline.
Comment: This variant, c.261_269dup, results in the insertion of 3 amino acid(s) of the ARIH1 protein (p.Gly88_Gly90dup), but otherwise preserves the integrity of the reading frame. This variant is not present in population databases (gnomAD no frequency). This variant has not been reported in the literature in individuals affected with ARIH1-related conditions. ClinVar contains an entry for this variant (Variation ID: 1380624). Experimental studies and prediction algorithms are not available or were not evaluated, and the functional significance of this variant is currently unknown. In summary, the available evidence is currently insufficient to determine the role of this variant in disease. Therefore, it has been classified as a Variant of Uncertain Significance.

NM_005744.5(ARIH1):c.261_269dup (p.Gly88_Gly90dup)

Gene: ARIH1 (ariadne RBR E3 ubiquitin protein ligase 1; plus strand). Cytogenetic location: 15q24.1.
Variant type: Duplication.
Coding change: c.261_269dup on transcript NM_005744.5 (MANE Select); coding-DNA positions 261 to 269, 9 bases duplicated (TGGTGGCGG; older notation c.261_269dupTGGTGGCGG).
Protein change: p.Gly88_Gly90dup.
Molecular consequence: inframe insertion.
Genome position (GRCh38, 1-based): chr15:72,474,900-72,474,908, TGGTGGCGG duplicated; duplicating any 9 consecutive bases within chr15:72,474,898-72,474,908 gives the same sequence; the c. name uses the placement nearest the transcript's 3' end. VCF-style (leftmost placement, unchanged base first): chr15-72474897-T-TGGTGGTGGC. GRCh37 (hg19) VCF-style: chr15-72767238-T-TGGTGGTGGC.
Identifiers: ClinVar variation 1380624 (VCV001380624.8), dbSNP rs2063787952, ClinGen allele CA2186801439.